The following is an entry in ClinVar:

NM_001267550.2(TTN):c.40349C>T (p.Pro13450Leu)

Gene: TTN (titin; minus strand). Cytogenetic location: 2q31.2.
Variant type: single nucleotide variant.
Coding change: c.40349C>T on transcript NM_001267550.2 (MANE Select); coding-DNA position 40349, C replaced by T.
Protein change: p.Pro13450Leu; replaces proline 13450 with leucine.
Molecular consequence: missense variant. On other transcripts: intron variant (3).
Genome position (GRCh38, 1-based): chr2:178,645,979, G>A on the plus strand (C>T on the coding strand, the complement: TTN is on the minus strand). VCF-style: chr2-178645979-G-A. GRCh37 (hg19) VCF-style: chr2-179510706-G-A.
Other names: c.35426C>T, p.Pro11809Leu (NM_001256850.1); c.32645C>T, p.Pro10882Leu (NM_133378.4); c.13283-3662C>T (NM_003319.4); c.13859-3662C>T (NM_133437.4); c.13658-3662C>T (NM_133432.3); c.40349C>T (NM_001267550.1); short protein forms P13450L, P10882L, P11809L.
Identifiers: ClinVar variation 467123 (VCV000467123.5), dbSNP rs372424006, ClinGen allele CA1996502.

ClinVar aggregate classification (germline): Uncertain significance. Review status: criteria provided, multiple submitters, no conflicts (2 of 4 stars). 3 submissions from 3 submitters: Uncertain significance (3). Last evaluated 2026-05-21.

Conditions:
Autosomal recessive limb-girdle muscular dystrophy type 2J (LGMDR10). Also called: Limb-girdle muscular dystrophy, type 2J; MUSCULAR DYSTROPHY, LIMB-GIRDLE, AUTOSOMAL RECESSIVE 10. Identifiers: Orphanet 140922, MedGen C1837342, MONDO:0012127, OMIM 608807.
Dilated cardiomyopathy 1G (CMD1G). Identifiers: Orphanet 154, MedGen C1858763, MONDO:0011400, OMIM 604145.
TTN-related disorder. Also called: TTN-related condition; TTN-related disease; TTN-related disorders.

Allele frequency attached by ClinVar (database versions not stated): ExAC 0.00001; gnomAD 0.00001; gnomAD exomes 0.00001; TOPMed 0.00001; ESP Exome Variant Server 0.00008.
gnomAD v4.1: 11 of 1,585,096 alleles (0.00069%); highest among the groups gnomAD compares: Middle Eastern, 0.1%; no homozygotes.

Submissions (3):

PreventionGenetics, part of Exact Sciences
Classification: Uncertain significance for TTN-related condition. Last evaluated: 2026-05-21. Review status: criteria provided, single submitter. Criteria: ACMG Guidelines, 2015. Collection method: clinical testing. Allele origin: germline.
Comment: The TTN c.40349C>T variant is predicted to result in the amino acid substitution p.Pro13450Leu. This variant has been reported in individuals with skeletal myopathy (Savarese et al. 2020. PubMed ID: 32039858). This variant is reported in 0.0074% of alleles in individuals of African descent in gnomAD and is interpreted as uncertain in ClinVar (Variation ID: 467123). At this time, the clinical significance of this variant is uncertain due to the absence of conclusive functional and genetic evidence.

GeneDx
Classification: Uncertain significance. Last evaluated: 2023-11-16. Review status: criteria provided, single submitter. Criteria: GeneDx Variant Classification Process June 2021. Collection method: clinical testing. Allele origin: germline. Affected: yes.
Comment: Has been reported in individuals with skeletal muscle disease (PMID: 32039858); Not observed at significant frequency in large population cohorts (gnomAD); Missense variant in a gene in which most reported pathogenic variants are truncating/loss of function; This variant is associated with the following publications: (PMID: 34426522, 32039858)

Labcorp Genetics (formerly Invitae), Labcorp
Classification: Uncertain significance for Dilated cardiomyopathy 1G; Autosomal recessive limb-girdle muscular dystrophy type 2J. Last evaluated: 2017-04-12. Review status: criteria provided, single submitter. Criteria: Invitae Variant Classification Sherloc (09022015). Collection method: clinical testing. Allele origin: germline.